The following is an entry in ClinVar:

ClinVar aggregate classification (germline): Likely pathogenic (1 of 4 stars; one submission).

Submission:

Labcorp Genetics (formerly Invitae), Labcorp
Classification: Likely pathogenic. Last evaluated: 2023-06-27. Review status: criteria provided, single submitter. Criteria: Invitae Variant Classification Sherloc (09022015). Collection method: clinical testing. Allele origin: germline.
Comment: In summary, the currently available evidence indicates that the variant is pathogenic, but additional data are needed to prove that conclusively. Therefore, this variant has been classified as Likely Pathogenic. Algorithms developed to predict the effect of sequence changes on RNA splicing suggest that this variant may disrupt the consensus splice site. This variant has not been reported in the literature in individuals affected with TPP1-related conditions. This variant is not present in population databases (gnomAD no frequency). This sequence change affects a donor splice site in intron 6 of the TPP1 gene. It is expected to disrupt RNA splicing. Variants that disrupt the donor or acceptor splice site typically lead to a loss of protein function (PMID: 16199547), and loss-of-function variants in TPP1 are known to be pathogenic (PMID: 10330339).

Literature cited by the submitters: PubMed 16199547; PubMed 10330339.

NM_000391.4(TPP1):c.687+2T>A

Gene: TPP1 (tripeptidyl peptidase 1; minus strand). Cytogenetic location: 11p15.4.
Variant type: single nucleotide variant.
Coding change: c.687+2T>A on transcript NM_000391.4 (MANE Select); the canonical splice donor site of the intron after coding-DNA position 687, T replaced by A.
Molecular consequence: splice donor variant.
Genome position (GRCh38, 1-based): chr11:6,616,973, A>T on the plus strand (T>A on the coding strand, the complement: TPP1 is on the minus strand). VCF-style: chr11-6616973-A-T. GRCh37 (hg19) VCF-style: chr11-6638204-A-T.
Identifiers: ClinVar variation 2847589 (VCV002847589.3), dbSNP rs1057516945, ClinGen allele CA379475295.